The following is an entry in ClinVar:

NM_007294.4(BRCA1):c.4706G>C (p.Ser1569Thr)

Gene: BRCA1 (BRCA1 DNA repair associated; minus strand). Cytogenetic location: 17q21.31.
Variant type: single nucleotide variant.
Coding change: c.4706G>C on transcript NM_007294.4 (MANE Select); coding-DNA position 4706, G replaced by C.
Protein change: p.Ser1569Thr; replaces serine 1569 with threonine.
Molecular consequence: missense variant. On other transcripts: intron variant (1).
Genome position (GRCh38, 1-based): chr17:43,071,208, C>G on the plus strand (G>C on the coding strand, the complement: BRCA1 is on the minus strand). VCF-style: chr17-43071208-C-G. GRCh37 (hg19) VCF-style: chr17-41223225-C-G.
Other names: c.4493G>C, p.Ser1498Thr (NM_001407571.1, NM_001407894.1, NM_001407895.1 and 12 more transcripts); c.4772G>C, p.Ser1591Thr (NM_001407581.1, NM_001407582.1); c.4769G>C, p.Ser1590Thr (NM_001407583.1, NM_001407585.1, NM_001407587.1 and 1 more transcripts); c.4766G>C, p.Ser1589Thr (NM_001407590.1, NM_001407591.1); c.4706G>C, p.Ser1569Thr (NM_001407593.1, NM_001407594.1, NM_001407596.1 and 8 more transcripts); c.4703G>C, p.Ser1568Thr (NM_001407610.1, NM_001407611.1, NM_001407612.1 and 17 more transcripts); c.4700G>C, p.Ser1567Thr (NM_001407627.1, NM_001407628.1, NM_001407629.1 and 14 more transcripts); c.4697G>C, p.Ser1566Thr (NM_001407644.1, NM_001407645.1); and 71 more; short protein forms S1400T, S1479T, S1481T, S1502T, S1520T, S1522T, S1527T, S1543T.
Identifiers: ClinVar variation 2733523 (VCV002733523.3), dbSNP rs1328549834, ClinGen allele CA10592098.

ClinVar aggregate classification (germline): Uncertain significance (1 of 4 stars; one submission).

Conditions:
Hereditary breast ovarian cancer syndrome. Also called: BRCA1- and BRCA2-Associated Hereditary Breast and Ovarian Cancer; Hereditary breast and/or ovarian cancer syndrome; Hereditary breast and ovarian cancer; Hereditary breast and ovarian cancer syndrome (HBOC); Breast and ovarian cancer; Hereditary breast and ovarian cancer syndrome. Identifiers: Orphanet 145, MedGen C0677776, MeSH D061325, MONDO:0003582. Disease mechanism: loss of function.

Allele frequency attached by ClinVar (database versions not stated): gnomAD exomes below 0.00001.
gnomAD v4.1: 2 of 1,614,158 alleles (0.00012%); highest among the groups gnomAD compares: Admixed American, 0.0017%; no homozygotes.

Submission:

Labcorp Genetics (formerly Invitae), Labcorp
Classification: Uncertain significance for Hereditary breast ovarian cancer syndrome. Last evaluated: 2023-06-30. Review status: criteria provided, single submitter. Criteria: Invitae Variant Classification Sherloc (09022015). Collection method: clinical testing. Allele origin: germline.
Comment: This sequence change replaces serine, which is neutral and polar, with threonine, which is neutral and polar, at codon 1569 of the BRCA1 protein (p.Ser1569Thr). This variant is present in population databases (no rsID available, gnomAD 0.003%). This variant has not been reported in the literature in individuals affected with BRCA1-related conditions. Advanced modeling of protein sequence and biophysical properties (such as structural, functional, and spatial information, amino acid conservation, physicochemical variation, residue mobility, and thermodynamic stability) performed at Invitae indicates that this missense variant is not expected to disrupt BRCA1 protein function. In summary, the available evidence is currently insufficient to determine the role of this variant in disease. Therefore, it has been classified as a Variant of Uncertain Significance.